The following is an entry in ClinVar:

NM_001009944.3(PKD1):c.10942C>A (p.Pro3648Thr)

Genes: PKD1 (polycystin 1, transient receptor potential channel interacting; minus strand), PKD1-AS1 (PKD1 antisense RNA 1; plus strand). Cytogenetic location: 16p13.3.
Variant type: single nucleotide variant.
Coding change: c.10942C>A on transcript NM_001009944.3 (MANE Select); coding-DNA position 10942, C replaced by A.
Protein change: p.Pro3648Thr; replaces proline 3648 with threonine.
Molecular consequence: missense variant.
Genome position (GRCh38, 1-based): chr16:2,093,618, G>T on the plus strand (C>A on the coding strand, the complement: PKD1 is on the minus strand). VCF-style: chr16-2093618-G-T. GRCh37 (hg19) VCF-style: chr16-2143619-G-T.
Other names: c.10939C>A, p.Pro3647Thr (NM_000296.4); c.10942C>A (NM_001009944.2); short protein forms P3647T, P3648T.
Identifiers: ClinVar variation 873398 (VCV000873398.3), dbSNP rs2091706456, ClinGen allele CA394338812.

ClinVar aggregate classification (germline): Conflicting classifications of pathogenicity. Review status: criteria provided, conflicting classifications (1 of 4 stars). 2 submissions from 2 submitters: Likely pathogenic (1); Uncertain significance (1). Last evaluated 2022-03-22.

Conditions:
Polycystic kidney disease, adult type (PKD1). Also called: POLYCYSTIC KIDNEY DISEASE 1 WITH OR WITHOUT POLYCYSTIC LIVER DISEASE; Polycystic Kidney Disease 1, Autosomal Dominant; Polycystic kidney disease 1; Polycystic kidney disease 1, severe; Polycystic Kidney, Autosomal Dominant; POLYCYSTIC KIDNEY DISEASE, ADULT, TYPE I. Identifiers: MedGen C3149841, MONDO:0008263, OMIM 173900.

Submissions (2):

GeneDx
Classification: Uncertain significance. Last evaluated: 2022-03-22. Review status: criteria provided, single submitter. Criteria: GeneDx Variant Classification Process June 2021. Collection method: clinical testing. Allele origin: germline. Affected: yes.
Comment: Not observed at significant frequency in large population cohorts (gnomAD); In silico analysis supports that this missense variant has a deleterious effect on protein structure/function; This variant is associated with the following publications: (PMID: 33454723)

Cavalleri Lab, Royal College of Surgeons in Ireland
Classification: Likely pathogenic for Polycystic kidney disease, adult type. Last evaluated: 2020-02-05. Review status: criteria provided, single submitter. Criteria: ACMG Guidelines, 2015. Collection method: research. Allele origin: unknown. Inheritance: Autosomal dominant inheritance. Affected: yes.
Comment: PM2, PM5, PP3, PP4